The following is an entry in ClinVar:

NM_001292034.3(TAB2):c.2050T>A (p.Cys684Ser)

Gene: TAB2 (TGF-beta activated kinase 1 (MAP3K7) binding protein 2; plus strand). Cytogenetic location: 6q25.1.
Variant type: single nucleotide variant.
Coding change: c.2050T>A on transcript NM_001292034.3 (MANE Select); coding-DNA position 2050, T replaced by A.
Protein change: p.Cys684Ser; replaces cysteine 684 with serine.
Molecular consequence: missense variant.
Genome position (GRCh38, 1-based): chr6:149,409,687, T>A. VCF-style: chr6-149409687-T-A. GRCh37 (hg19) VCF-style: chr6-149730823-T-A.
Other names: c.1954T>A, p.Cys652Ser (NM_001292035.3); c.2050T>A, p.Cys684Ser (NM_001369506.1, NM_015093.6); short protein forms C652S, C684S.
Identifiers: ClinVar variation 2632639 (VCV002632639.1), dbSNP rs2483572227, ClinGen allele CA366007505.

ClinVar aggregate classification (germline): Uncertain significance (1 of 4 stars; one submission).

Conditions:
TAB2-related disorder.

Submission:

PreventionGenetics, part of Exact Sciences
Classification: Uncertain significance for TAB2-related condition. Last evaluated: 2023-06-12. Review status: criteria provided, single submitter. Criteria: ACMG Guidelines, 2015. Collection method: clinical testing. Allele origin: germline.
Comment: The TAB2 c.2050T>A variant is predicted to result in the amino acid substitution p.Cys684Ser. To our knowledge, this variant has not been reported in the literature or in a large population database, indicating this variant is rare. An alternate nucleotide change affecting the same amino acid (p.Cys684Tyr has been reported de novo in an individual with non-syndromic cardiomyopathy (Table S1, Subject 12, Hanson et al. 2022. PubMed ID: 34741306). At this time, the clinical significance of this variant is uncertain due to the absence of conclusive functional and genetic evidence.